The following is an entry in ClinVar:

ClinVar aggregate classification (germline): Uncertain significance. Review status: criteria provided, multiple submitters, no conflicts (2 of 4 stars). 2 submissions from 2 submitters: Uncertain significance (2). Last evaluated 2025-12-24.

Conditions:
Inborn genetic diseases. Identifiers: MedGen C0950123, MeSH D030342.
Charcot-Marie-Tooth disease axonal type 2O. Also called: Charcot-Marie-Tooth Neuropathy Type 2O; CHARCOT-MARIE-TOOTH NEUROPATHY, AXONAL, TYPE 2O; CHARCOT-MARIE-TOOTH DISEASE, AXONAL, AUTOSOMAL DOMINANT, TYPE 2O; Charcot-Marie-Tooth disease, axonal, type 20. Identifiers: Orphanet 284232, MedGen C3280220, MONDO:0013644, OMIM 614228.

Allele frequency attached by ClinVar (database versions not stated): gnomAD exomes 0.00001.
gnomAD v4.1: 19 of 1,614,104 alleles (0.0012%); highest among the groups gnomAD compares: Non-Finnish European, 0.0016%; no homozygotes.

Submissions (2):

Ambry Genetics
Classification: Uncertain significance for Inborn genetic diseases. Last evaluated: 2025-12-24. Review status: criteria provided, single submitter. Criteria: Ambry Variant Classification Scheme 2023. Collection method: clinical testing. Allele origin: germline.

Labcorp Genetics (formerly Invitae), Labcorp
Classification: Uncertain significance for Charcot-Marie-Tooth disease axonal type 2O. Last evaluated: 2024-09-15. Review status: criteria provided, single submitter. Criteria: Invitae Variant Classification Sherloc (09022015). Collection method: clinical testing. Allele origin: germline.
Comment: This sequence change replaces leucine, which is neutral and non-polar, with proline, which is neutral and non-polar, at codon 735 of the DYNC1H1 protein (p.Leu735Pro). This variant is not present in population databases (gnomAD no frequency). This variant has not been reported in the literature in individuals affected with DYNC1H1-related conditions. ClinVar contains an entry for this variant (Variation ID: 580172). Invitae Evidence Modeling of protein sequence and biophysical properties (such as structural, functional, and spatial information, amino acid conservation, physicochemical variation, residue mobility, and thermodynamic stability) indicates that this missense variant is expected to disrupt DYNC1H1 protein function with a positive predictive value of 95%. In summary, the available evidence is currently insufficient to determine the role of this variant in disease. Therefore, it has been classified as a Variant of Uncertain Significance.

NM_001376.5(DYNC1H1):c.2204T>C (p.Leu735Pro)

Gene: DYNC1H1 (dynein cytoplasmic 1 heavy chain 1; plus strand). Cytogenetic location: 14q32.31.
Variant type: single nucleotide variant.
Coding change: c.2204T>C on transcript NM_001376.5 (MANE Select); coding-DNA position 2204, T replaced by C.
Protein change: p.Leu735Pro; replaces leucine 735 with proline.
Molecular consequence: missense variant.
Genome position (GRCh38, 1-based): chr14:101,986,429, T>C. VCF-style: chr14-101986429-T-C. GRCh37 (hg19) VCF-style: chr14-102452766-T-C.
Other names: short protein forms L735P.
Identifiers: ClinVar variation 580172 (VCV000580172.9), dbSNP rs1002689170, ClinGen allele CA266980856.